The following is an entry in ClinVar:

ClinVar aggregate classification (germline): Uncertain significance. Review status: criteria provided, multiple submitters, no conflicts (2 of 4 stars). 5 submissions from 5 submitters: Uncertain significance (4). 1 of the submissions does not count toward it. Last evaluated 2025-12-19.

Conditions:
Deafness-lymphedema-leukemia syndrome. Also called: Lymphedema, primary, with myelodysplasia; Emberger syndrome. Identifiers: Orphanet 3226, MedGen C3279664, MONDO:0013540, OMIM 614038.
Monocytopenia with susceptibility to infections. Also called: Dendritic cell, monocyte, B lymphocyte, and natural killer lymphocyte deficiency; MONOCYTOPENIA AND MYCOBACTERIAL INFECTION SYNDROME; MONOCYTOPENIA WITH SUSCEPTIBILITY TO MYCOBACTERIAL, FUNGAL, AND PAPILLOMAVIRUS INFECTIONS AND MYELODYSPLASIA; COMBINED IMMUNODEFICIENCY WITH SUSCEPTIBILITY TO MYCOBACTERIAL, VIRAL, AND FUNGAL INFECTIONS; GATA2 DEFICIENCY; IMMUNODEFICIENCY 21. Identifiers: Orphanet 228423, MedGen C3280030, MONDO:0013607, OMIM 614172.
Myelodysplastic syndrome (MDS). Also called: MYELODYSPLASTIC SYNDROME, SUSCEPTIBILITY TO; Myelodysplastic syndromes; Myelodysplastic syndrome, somatic. Identifiers: Orphanet 52688, MedGen C3463824, MeSH D009190, MONDO:0018881, OMIM 614286.
Acute myeloid leukemia (AML). Also called: Acute myeloid leukemia, adult; AML adult; Acute non-lymphocytic leukemia; Acute granulocytic leukemia; Leukemia, acute myelogenous, somatic; Leukemia, acute myeloid, somatic. Identifiers: Orphanet 519, MedGen C0023467, MeSH D015470, MONDO:0018874, OMIM 601626, HP:0004808. Disease mechanism: Constitutively activated FLT3.
Inborn genetic diseases. Identifiers: MedGen C0950123, MeSH D030342.
GATA2-related disorder. Also called: GATA2-Related Disorders; GATA2-related condition.

Allele frequency attached by ClinVar (database versions not stated): TOPMed 0.00001; ESP Exome Variant Server 0.00008.
gnomAD v4.1: 48 of 1,614,042 alleles (0.003%); highest among the groups gnomAD compares: Non-Finnish European, 0.004%; no homozygotes.

Submissions (5):

Labcorp Genetics (formerly Invitae), Labcorp
Classification: Uncertain significance for Monocytopenia with susceptibility to infections; Deafness-lymphedema-leukemia syndrome. Last evaluated: 2025-12-19. Review status: criteria provided, single submitter. Criteria: Invitae Variant Classification Sherloc (09022015). Collection method: clinical testing. Allele origin: germline.
Comment: This sequence change replaces glycine, which is neutral and non-polar, with alanine, which is neutral and non-polar, at codon 200 of the GATA2 protein (p.Gly200Ala). This variant is present in population databases (rs373477245, gnomAD 0.003%). This variant has not been reported in the literature in individuals affected with GATA2-related conditions. ClinVar contains an entry for this variant (Variation ID: 963444). Invitae Evidence Modeling of protein sequence and biophysical properties (such as structural, functional, and spatial information, amino acid conservation, physicochemical variation, residue mobility, and thermodynamic stability) indicates that this missense variant is not expected to disrupt GATA2 protein function with a negative predictive value of 95%. In summary, the available evidence is currently insufficient to determine the role of this variant in disease. Therefore, it has been classified as a Variant of Uncertain Significance.

Ambry Genetics
Classification: Uncertain significance for Inborn genetic diseases. Last evaluated: 2025-01-07. Review status: criteria provided, single submitter. Criteria: Ambry Variant Classification Scheme 2023. Collection method: clinical testing. Allele origin: germline.
Comment: The p.G200A variant (also known as c.599G>C), located in coding exon 2 of the GATA2 gene, results from a G to C substitution at nucleotide position 599. The glycine at codon 200 is replaced by alanine, an amino acid with similar properties. This amino acid position is highly conserved in available vertebrate species. In addition, the in silico prediction for this alteration is inconclusive. Based on the available evidence, the clinical significance of this variant remains unclear.

Fulgent Genetics
Classification: Uncertain significance for Acute myeloid leukemia; Deafness-lymphedema-leukemia syndrome; Monocytopenia with susceptibility to infections; Myelodysplastic syndrome. Last evaluated: 2024-02-15. Review status: criteria provided, single submitter. Criteria: ACMG Guidelines, 2015. Collection method: clinical testing. Allele origin: germline.

Baylor Genetics
Classification: Uncertain significance for Acute myeloid leukemia. Last evaluated: 2023-12-15. Review status: criteria provided, single submitter. Criteria: ACMG Guidelines, 2015. Collection method: clinical testing. Allele origin: unknown.

PreventionGenetics, part of Exact Sciences
Classification: Uncertain significance for GATA2-related condition. Last evaluated: 2023-12-28. Review status: no assertion criteria provided. Collection method: clinical testing. Allele origin: germline. Not counted in ClinVar's aggregate classification.
Comment: The GATA2 c.599G>C variant is predicted to result in the amino acid substitution p.Gly200Ala. To our knowledge, this variant has not been reported in the literature. This variant is reported in 0.0031% of alleles in individuals of European (Non-Finnish) descent in gnomAD. At this time, the clinical significance of this variant is uncertain due to the absence of conclusive functional and genetic evidence.

NM_032638.5(GATA2):c.599G>C (p.Gly200Ala)

Gene: GATA2 (GATA binding protein 2; minus strand). Cytogenetic location: 3q21.3.
Variant type: single nucleotide variant.
Coding change: c.599G>C on transcript NM_032638.5 (MANE Select); coding-DNA position 599, G replaced by C.
Protein change: p.Gly200Ala; replaces glycine 200 with alanine.
Molecular consequence: missense variant.
Genome position (GRCh38, 1-based): chr3:128,485,999, C>G on the plus strand (G>C on the coding strand, the complement: GATA2 is on the minus strand). VCF-style: chr3-128485999-C-G. GRCh37 (hg19) VCF-style: chr3-128204842-C-G.
Other names: c.599G>C (NM_001145661.1); c.599G>C, p.Gly200Ala (NM_001145661.2, NM_001145662.1); short protein forms G200A.
Identifiers: ClinVar variation 963444 (VCV000963444.13), dbSNP rs373477245, ClinGen allele CA2599990.